The following is an entry in ClinVar:

ClinVar aggregate classification (germline): Uncertain significance (1 of 4 stars; one submission).

Submission:

Labcorp Genetics (formerly Invitae), Labcorp
Classification: Uncertain significance. Last evaluated: 2024-10-17. Review status: criteria provided, single submitter. Criteria: Invitae Variant Classification Sherloc (09022015). Collection method: clinical testing. Allele origin: germline.
Comment: This sequence change replaces lysine, which is basic and polar, with arginine, which is basic and polar, at codon 379 of the HTRA1 protein (p.Lys379Arg). This variant is not present in population databases (gnomAD no frequency). This variant has not been reported in the literature in individuals affected with HTRA1-related conditions. ClinVar contains an entry for this variant (Variation ID: 1500919). Invitae Evidence Modeling of protein sequence and biophysical properties (such as structural, functional, and spatial information, amino acid conservation, physicochemical variation, residue mobility, and thermodynamic stability) indicates that this missense variant is not expected to disrupt HTRA1 protein function with a negative predictive value of 95%. In summary, the available evidence is currently insufficient to determine the role of this variant in disease. Therefore, it has been classified as a Variant of Uncertain Significance.

NM_002775.5(HTRA1):c.1136A>G (p.Lys379Arg)

Gene: HTRA1 (HtrA serine peptidase 1; plus strand). Cytogenetic location: 10q26.13.
Variant type: single nucleotide variant.
Coding change: c.1136A>G on transcript NM_002775.5 (MANE Select); coding-DNA position 1136, A replaced by G.
Protein change: p.Lys379Arg; replaces lysine 379 with arginine.
Molecular consequence: missense variant.
Genome position (GRCh38, 1-based): chr10:122,510,111, A>G. VCF-style: chr10-122510111-A-G. GRCh37 (hg19) VCF-style: chr10-124269627-A-G.
Other names: short protein forms K379R.
Identifiers: ClinVar variation 1500919 (VCV001500919.6), dbSNP rs2133451896, ClinGen allele CA378587480.